The following is an entry in ClinVar:

ClinVar aggregate classification (germline): Uncertain significance (1 of 4 stars; one submission).

Conditions:
Chédiak-Higashi syndrome (CHS). Also called: Chediak-Higashi Syndrome. Identifiers: Orphanet 167, MedGen C0007965, MONDO:0008963, OMIM 214500.

Submission:

Labcorp Genetics (formerly Invitae), Labcorp
Classification: Uncertain significance for Chédiak-Higashi syndrome. Last evaluated: 2025-09-04. Review status: criteria provided, single submitter. Criteria: Invitae Variant Classification Sherloc (09022015). Collection method: clinical testing. Allele origin: germline.
Comment: This sequence change replaces glycine, which is neutral and non-polar, with glutamic acid, which is acidic and polar, at codon 2899 of the LYST protein (p.Gly2899Glu). This variant is not present in population databases (gnomAD no frequency). This variant has not been reported in the literature in individuals affected with LYST-related conditions. Invitae Evidence Modeling of protein sequence and biophysical properties (such as structural, functional, and spatial information, amino acid conservation, physicochemical variation, residue mobility, and thermodynamic stability) indicates that this missense variant is not expected to disrupt LYST protein function with a negative predictive value of 80%. In summary, the available evidence is currently insufficient to determine the role of this variant in disease. Therefore, it has been classified as a Variant of Uncertain Significance.

NM_000081.4(LYST):c.8696G>A (p.Gly2899Glu)

Gene: LYST (lysosomal trafficking regulator; minus strand). Cytogenetic location: 1q42.3.
Variant type: single nucleotide variant.
Coding change: c.8696G>A on transcript NM_000081.4 (MANE Select); coding-DNA position 8696, G replaced by A.
Protein change: p.Gly2899Glu; replaces glycine 2899 with glutamic acid.
Molecular consequence: missense variant.
Genome position (GRCh38, 1-based): chr1:235,733,608, C>T on the plus strand (G>A on the coding strand, the complement: LYST is on the minus strand). VCF-style: chr1-235733608-C-T. GRCh37 (hg19) VCF-style: chr1-235896908-C-T.
Other names: c.8696G>A, p.Gly2899Glu (NM_001301365.1); short protein forms G2899E.
Identifiers: ClinVar variation 4740895 (VCV004740895.1).
Genomic context (GRCh38, chr1:235,733,608, plus strand): 5'-GCACTCAAATCTACTTTATACATTCCTCTAATATGCTGGATCACCTTTTTTCTCTCATTT[C>T]CTTGGGAGAGAGACACTGCCTGGGTGATATCTGCAGCTATTTTAGATATATCCTTTGATT-3'
Protein context (NP_000072.2, residues 2889-2909): DITQAVSLSQ[Gly2899Glu]NERKKVIQHI